The following is an entry in ClinVar:

ClinVar aggregate classification (germline): Likely pathogenic (1 of 4 stars; one submission).

Conditions:
Treacher Collins syndrome 1 (TCS1). Also called: TCOF1-Related Treacher Collins Syndrome. Identifiers: Orphanet 861, MedGen CN315775, MONDO:0007944, OMIM 154500.

Submission:

3billion
Classification: Likely pathogenic for Treacher Collins syndrome 1. Last evaluated: 2023-02-23. Review status: criteria provided, single submitter. Criteria: ACMG Guidelines, 2015. Collection method: clinical testing. Allele origin: unknown. Affected: yes.
Comment: The variant is not observed in the gnomAD v2.1.1 dataset. This variant was predicted to result in a loss or disruption of normal protein function through nonsense-mediated decay (NMD) or protein truncation. Multiple pathogenic variants are reported downstream of the variant. Therefore, this variant is classified as Likely pathogenic according to the recommendation of ACMG/AMP guideline.

NM_001371623.1(TCOF1):c.1602dup (p.Ser535fs)

Gene: TCOF1 (treacle ribosome biogenesis factor 1; plus strand). Cytogenetic location: 5q32.
Variant type: Duplication.
Coding change: c.1602dup on transcript NM_001371623.1 (MANE Select); coding-DNA position 1602, one base duplicated (C; older notation c.1602dupC).
Protein change: p.Ser535fs; shifts the reading frame from serine 535.
Molecular consequence: frameshift variant.
Genome position (GRCh38, 1-based): chr5:150,375,452, C duplicated; the last of 5 consecutive C bases (chr5:150,375,448-150,375,452); duplicating any one gives the same sequence. VCF-style (leftmost placement, unchanged base first): chr5-150375447-A-AC. GRCh37 (hg19) VCF-style: chr5-149755010-A-AC.
Other names: c.1371dup, p.Ser458fs (NM_000356.4, NM_001135245.2); c.1602dup, p.Ser535fs (NM_001008657.3, NM_001135243.2, NM_001135244.2 and 1 more transcripts); short protein forms S458fs, S535fs.
Identifiers: ClinVar variation 2444226 (VCV002444226.1), dbSNP rs2533455354, ClinGen allele CA2580073892.
Genomic context (GRCh38, chr5:150,375,447, plus strand): 5'-GGCATGGGGCCCTTGGGGAAAGGCGCCGGCCCAGTGCCACCCGGGAAGGTGGGGCCTGCA[A>AC]CCCCCTCAGCCCAGGTGGGGAAGTGGGAGGAGGACTCAGAGAGCAGTAGTGAGGAGTCAT-3'